The following is an entry in ClinVar:

NM_002734.5(PRKAR1A):c.672G>A (p.Trp224Ter)

Gene: PRKAR1A (protein kinase cAMP-dependent type I regulatory subunit alpha; plus strand). Cytogenetic location: 17q24.2.
Variant type: single nucleotide variant.
Coding change: c.672G>A on transcript NM_002734.5 (MANE Select); coding-DNA position 672, G replaced by A.
Protein change: p.Trp224Ter; replaces tryptophan 224 with a stop codon.
Molecular consequence: nonsense.
Genome position (GRCh38, 1-based): chr17:68,525,876, G>A. VCF-style: chr17-68525876-G-A. GRCh37 (hg19) VCF-style: chr17-66522017-G-A.
Other names: c.672G>A, p.Trp224Ter (NM_001276289.2, NM_001276290.1, NM_001278433.2 and 4 more transcripts); short protein forms W224*.
Identifiers: ClinVar variation 449447 (VCV000449447.4), dbSNP rs1555814100, ClinGen allele CA400753319.

ClinVar aggregate classification (germline): Pathogenic. Review status: criteria provided, multiple submitters, no conflicts (2 of 4 stars). 2 submissions from 2 submitters: Pathogenic (2). Last evaluated 2024-05-09.

Conditions:
Carney complex, type 1 (CNC1). Also called: CARNEY COMPLEX, TYPE I; CARNEY MYXOMA-ENDOCRINE COMPLEX. Identifiers: Orphanet 1359, MedGen C2607929, MONDO:0008057, OMIM 160980.

Submissions (2):

Labcorp Genetics (formerly Invitae), Labcorp
Classification: Pathogenic for Carney complex, type 1. Last evaluated: 2024-05-09. Review status: criteria provided, single submitter. Criteria: Invitae Variant Classification Sherloc (09022015). Collection method: clinical testing. Allele origin: germline.
Comment: This sequence change creates a premature translational stop signal (p.Trp224*) in the PRKAR1A gene. It is expected to result in an absent or disrupted protein product. Loss-of-function variants in PRKAR1A are known to be pathogenic (PMID: 11115848, 19293268). This variant is not present in population databases (gnomAD no frequency). This premature translational stop signal has been observed in individual(s) with clinical features of PRKAR1A-related conditions (PMID: 19293268, 31117334). ClinVar contains an entry for this variant (Variation ID: 449447). For these reasons, this variant has been classified as Pathogenic.

GeneDx
Classification: Pathogenic. Last evaluated: 2017-10-05. Review status: criteria provided, single submitter. Criteria: GeneDx Variant Classification (06012015). Collection method: clinical testing. Allele origin: germline. Affected: yes.
Comment: This pathogenic variant is predicted to cause loss of normal protein function either throughprotein truncation or nonsense-mediated mRNA decay. The variant is not observed in large populationcohorts (Lek et al., 2016)

Literature cited by the submitters: PubMed 11115848 (cited by Labcorp Genetics (formerly Invitae), Labcorp); PubMed 19293268 (cited by Labcorp Genetics (formerly Invitae), Labcorp); PubMed 31117334 (cited by Labcorp Genetics (formerly Invitae), Labcorp).